The following is an entry in ClinVar:

ClinVar aggregate classification (germline): Pathogenic/Likely pathogenic. Review status: criteria provided, multiple submitters, no conflicts (2 of 4 stars). 2 submissions from 2 submitters: Pathogenic (1); Likely pathogenic (1). Last evaluated 2023-07-25.

Conditions:
Oculocutaneous albinism type 3 (OCA3). Also called: RUFOUS OCULOCUTANEOUS ALBINISM; Albinism, oculocutaneous, type III; XANTHISM; Rufous OCA; Rufous albinism; ALBINISM III. Identifiers: Orphanet 79433, MedGen C0342683, MONDO:0008747, OMIM 203290.
MELANESIAN BLOND HAIR (SHEP11). Also called: SKIN/HAIR/EYE PIGMENTATION 11, BLUE/NONBLUE EYES; Skin/hair/eye pigmentation, variation in, 11. Identifiers: MedGen C2677086, OMIM 612271.

Submissions (2):

Labcorp Genetics (formerly Invitae), Labcorp
Classification: Pathogenic. Last evaluated: 2023-07-25. Review status: criteria provided, single submitter. Criteria: Invitae Variant Classification Sherloc (09022015). Collection method: clinical testing. Allele origin: germline.
Comment: This sequence change creates a premature translational stop signal (p.Gly204*) in the TYRP1 gene. It is expected to result in an absent or disrupted protein product. Loss-of-function variants in TYRP1 are known to be pathogenic (PMID: 8651291, 9345097). This variant is not present in population databases (gnomAD no frequency). This variant has not been reported in the literature in individuals affected with TYRP1-related conditions. For these reasons, this variant has been classified as Pathogenic.

Juno Genomics, Hangzhou Juno Genomics, Inc
Classification: Likely pathogenic for MELANESIAN BLOND HAIR; Oculocutaneous albinism type 3. Review status: criteria provided, single submitter. Criteria: ACMG Guidelines, 2015. Collection method: clinical testing. Allele origin: germline.
Comment: Absent from controls (or at extremely low frequency if recessive) in Genome Aggregation Database.;Null variant in a gene where loss of function (LOF) is a known mechanism of disease.

Literature cited by the submitters: PubMed 8651291 (cited by Labcorp Genetics (formerly Invitae), Labcorp); PubMed 9345097 (cited by Labcorp Genetics (formerly Invitae), Labcorp).

NM_000550.3(TYRP1):c.610G>T (p.Gly204Ter)

Gene: TYRP1 (tyrosinase related protein 1; plus strand). Cytogenetic location: 9p23.
Variant type: single nucleotide variant.
Coding change: c.610G>T on transcript NM_000550.3 (MANE Select); coding-DNA position 610, G replaced by T.
Protein change: p.Gly204Ter; replaces glycine 204 with a stop codon.
Molecular consequence: nonsense.
Genome position (GRCh38, 1-based): chr9:12,695,739, G>T. VCF-style: chr9-12695739-G-T. GRCh37 (hg19) VCF-style: chr9-12695739-G-T.
Other names: short protein forms G204*.
Identifiers: ClinVar variation 2811993 (VCV002811993.5), dbSNP rs747926709, ClinGen allele CA372937795.